The following is an entry in ClinVar:

ClinVar aggregate classification (germline): Uncertain significance (1 of 4 stars; one submission).

gnomAD v4.1: 1 of 1,614,188 alleles (0.000062%); highest among the groups gnomAD compares: South Asian, 0.0011%; no homozygotes.

Submission:

GeneDx
Classification: Uncertain significance. Last evaluated: 2024-04-15. Review status: criteria provided, single submitter. Criteria: GeneDx Variant Classification Process June 2021. Collection method: clinical testing. Allele origin: germline. Affected: yes.
Comment: Not observed at significant frequency in large population cohorts (gnomAD); In silico analysis supports that this missense variant has a deleterious effect on protein structure/function; Has not been previously published as pathogenic or benign to our knowledge

NM_015015.3(KDM4B):c.67G>C (p.Glu23Gln)

Gene: KDM4B (lysine demethylase 4B; plus strand). Cytogenetic location: 19p13.3.
Variant type: single nucleotide variant.
Coding change: c.67G>C on transcript NM_015015.3 (MANE Select); coding-DNA position 67, G replaced by C.
Protein change: p.Glu23Gln; replaces glutamic acid 23 with glutamine.
Molecular consequence: missense variant.
Genome position (GRCh38, 1-based): chr19:5,032,957, G>C. VCF-style: chr19-5032957-G-C. GRCh37 (hg19) VCF-style: chr19-5032968-G-C.
Other names: c.67G>C, p.Glu23Gln (NM_001370093.1, NM_001370094.1, NM_001411148.1); short protein forms E23Q.
Identifiers: ClinVar variation 3372403 (VCV003372403.1).